The following is an entry in ClinVar:

ClinVar aggregate classification (germline): Uncertain significance. Review status: criteria provided, multiple submitters, no conflicts (2 of 4 stars). 2 submissions from 2 submitters: Uncertain significance (2). Last evaluated 2022-03-24.

Allele frequency attached by ClinVar (database versions not stated): gnomAD 0.00001.
gnomAD v4.1: 1 of 1,613,294 alleles (0.000062%); highest among the groups gnomAD compares: East Asian, 0.0022%; no homozygotes.

Submissions (2):

Labcorp Genetics (formerly Invitae), Labcorp
Classification: Uncertain significance. Last evaluated: 2022-03-24. Review status: criteria provided, single submitter. Criteria: Invitae Variant Classification Sherloc (09022015). Collection method: clinical testing. Allele origin: germline.
Comment: In summary, the available evidence is currently insufficient to determine the role of this variant in disease. Therefore, it has been classified as a Variant of Uncertain Significance. Advanced modeling of protein sequence and biophysical properties (such as structural, functional, and spatial information, amino acid conservation, physicochemical variation, residue mobility, and thermodynamic stability) performed at Invitae indicates that this missense variant is not expected to disrupt PRKN protein function. This missense change has been observed in individual(s) with Parkinson disease (PMID: 20558392). This variant is present in population databases (rs759692468, gnomAD 0.02%). This sequence change replaces proline, which is neutral and non-polar, with alanine, which is neutral and non-polar, at codon 437 of the PRKN protein (p.Pro437Ala).

Athena Diagnostics
Classification: Uncertain significance. Last evaluated: 2021-08-26. Review status: criteria provided, single submitter. Criteria: Athena Diagnostics Criteria. Collection method: clinical testing. Allele origin: unknown.

Literature cited by the submitters: PubMed 20558392 (cited by Labcorp Genetics (formerly Invitae), Labcorp).

NM_004562.3(PRKN):c.1309C>G (p.Pro437Ala)

Gene: PRKN (parkin RBR E3 ubiquitin protein ligase; minus strand). Cytogenetic location: 6q26.
Variant type: single nucleotide variant.
Coding change: c.1309C>G on transcript NM_004562.3 (MANE Select); coding-DNA position 1309, C replaced by G.
Protein change: p.Pro437Ala; replaces proline 437 with alanine.
Molecular consequence: missense variant.
Genome position (GRCh38, 1-based): chr6:161,350,188, G>C on the plus strand (C>G on the coding strand, the complement: PRKN is on the minus strand). VCF-style: chr6-161350188-G-C. GRCh37 (hg19) VCF-style: chr6-161771220-G-C.
Other names: c.1225C>G, p.Pro409Ala (NM_013987.3); c.862C>G, p.Pro288Ala (NM_013988.3); short protein forms P288A, P409A, P437A.
Identifiers: ClinVar variation 1806872 (VCV001806872.6), dbSNP rs759692468, ClinGen allele CA4089941.